The following is an entry in ClinVar:

ClinVar aggregate classification (germline): Uncertain significance (1 of 4 stars; one submission).

Conditions:
Hereditary cancer-predisposing syndrome. Also called: Tumor predisposition; Hereditary neoplastic syndrome; Neoplastic Syndromes, Hereditary; Hereditary Cancer Syndrome. Identifiers: Orphanet 140162, MedGen C0027672, MeSH D009386, MONDO:0015356.

Submission:

Labcorp Genetics (formerly Invitae), Labcorp
Classification: Uncertain significance for Hereditary cancer-predisposing syndrome. Last evaluated: 2019-12-06. Review status: criteria provided, single submitter. Criteria: Invitae Variant Classification Sherloc (09022015). Collection method: clinical testing. Allele origin: germline.
Comment: In summary, the available evidence is currently insufficient to determine the role of this variant in disease. Therefore, it has been classified as a Variant of Uncertain Significance. Algorithms developed to predict the effect of missense changes on protein structure and function (SIFT, PolyPhen-2, Align-GVGD) all suggest that this variant is likely to be tolerated, but these predictions have not been confirmed by published functional studies and their clinical significance is uncertain. This variant has not been reported in the literature in individuals with RAD50-related conditions. This variant is not present in population databases (ExAC no frequency). This sequence change replaces serine with arginine at codon 844 of the RAD50 protein (p.Ser844Arg). The serine residue is moderately conserved and there is a moderate physicochemical difference between serine and arginine.

NM_005732.4(RAD50):c.2532T>A (p.Ser844Arg)

Gene: RAD50 (RAD50 double strand break repair protein; plus strand). Cytogenetic location: 5q31.1.
Variant type: single nucleotide variant.
Coding change: c.2532T>A on transcript NM_005732.4 (MANE Select); coding-DNA position 2532, T replaced by A.
Protein change: p.Ser844Arg; replaces serine 844 with arginine.
Molecular consequence: missense variant.
Genome position (GRCh38, 1-based): chr5:132,604,813, T>A. VCF-style: chr5-132604813-T-A. GRCh37 (hg19) VCF-style: chr5-131940505-T-A.
Other names: short protein forms S844R.
Identifiers: ClinVar variation 846802 (VCV000846802.10), dbSNP rs1750952867, ClinGen allele CA360956186.